The following is an entry in ClinVar:

NM_001378183.1(PIEZO2):c.4264C>T (p.Pro1422Ser)

Gene: PIEZO2 (piezo type mechanosensitive ion channel component 2; minus strand). Cytogenetic location: 18p11.22.
Variant type: single nucleotide variant.
Coding change: c.4264C>T on transcript NM_001378183.1 (MANE Select); coding-DNA position 4264, C replaced by T.
Protein change: p.Pro1422Ser; replaces proline 1422 with serine.
Molecular consequence: missense variant.
Genome position (GRCh38, 1-based): chr18:10,750,091, G>A on the plus strand (C>T on the coding strand, the complement: PIEZO2 is on the minus strand). VCF-style: chr18-10750091-G-A. GRCh37 (hg19) VCF-style: chr18-10750089-G-A.
Other names: c.4189C>T, p.Pro1397Ser (NM_022068.4); short protein forms P1397S, P1422S.
Identifiers: ClinVar variation 1386997 (VCV001386997.8), dbSNP rs1396351234, ClinGen allele CA401919209.

ClinVar aggregate classification (germline): Uncertain significance (1 of 4 stars; one submission).

Allele frequency attached by ClinVar (database versions not stated): gnomAD exomes 0.00002.
gnomAD v4.1: 18 of 1,533,596 alleles (0.0012%); highest among the groups gnomAD compares: Middle Eastern, 0.017%; no homozygotes.

Submission:

Labcorp Genetics (formerly Invitae), Labcorp
Classification: Uncertain significance. Last evaluated: 2021-07-29. Review status: criteria provided, single submitter. Criteria: Invitae Variant Classification Sherloc (09022015). Collection method: clinical testing. Allele origin: germline.
Comment: This sequence change replaces proline with serine at codon 1397 of the PIEZO2 protein (p.Pro1397Ser). The proline residue is moderately conserved and there is a moderate physicochemical difference between proline and serine. This variant is not present in population databases (ExAC no frequency). This variant has not been reported in the literature in individuals affected with PIEZO2-related conditions. Algorithms developed to predict the effect of missense changes on protein structure and function (SIFT, PolyPhen-2, Align-GVGD) all suggest that this variant is likely to be tolerated. Algorithms developed to predict the effect of sequence changes on RNA splicing suggest that this variant may disrupt the consensus splice site. In summary, the available evidence is currently insufficient to determine the role of this variant in disease. Therefore, it has been classified as a Variant of Uncertain Significance.